The following is an entry in ClinVar:

ClinVar aggregate classification (germline): Pathogenic. Review status: criteria provided, multiple submitters, no conflicts (2 of 4 stars). 2 submissions from 2 submitters: Pathogenic (2). Last evaluated 2024-12-17.

Conditions:
Hereditary nonpolyposis colorectal neoplasms. Identifiers: MedGen C0009405, MeSH D003123.
Lynch syndrome 4 (LYNCH4). Also called: Hereditary non-polyposis colorectal cancer, type 4; Colorectal cancer, hereditary nonpolyposis, type 4. Identifiers: Orphanet 144, MedGen C1838333, MONDO:0013699, OMIM 614337. Disease mechanism: loss of function.

Submissions (2):

Labcorp Genetics (formerly Invitae), Labcorp
Classification: Pathogenic for Hereditary nonpolyposis colorectal neoplasms. Last evaluated: 2024-12-17. Review status: criteria provided, single submitter. Criteria: Invitae Variant Classification Sherloc (09022015). Collection method: clinical testing. Allele origin: germline.
Comment: This sequence change creates a premature translational stop signal (p.Gly750Alafs*18) in the PMS2 gene. It is expected to result in an absent or disrupted protein product. Loss-of-function variants in PMS2 are known to be pathogenic (PMID: 21376568, 24362816). The frequency data for this variant in the population databases (gnomAD) is considered unreliable due to the presence of homologous sequence, such as pseudogenes or paralogs, in the genome. This variant has not been reported in the literature in individuals affected with PMS2-related conditions. ClinVar contains an entry for this variant (Variation ID: 652767). For these reasons, this variant has been classified as Pathogenic.

Myriad Genetics, Inc.
Classification: Pathogenic for Lynch syndrome 4. Last evaluated: 2023-07-28. Review status: criteria provided, single submitter. Criteria: Myriad Autosomal Dominant, Autosomal Recessive and X-Linked Classification Criteria (2023). Collection method: clinical testing. Allele origin: unknown.
Comment: This variant is considered pathogenic. This variant creates a frameshift predicted to result in premature protein truncation.

Literature cited by the submitters: PubMed 21376568 (cited by Labcorp Genetics (formerly Invitae), Labcorp); PubMed 24362816 (cited by Labcorp Genetics (formerly Invitae), Labcorp).

NM_000535.7(PMS2):c.2249del (p.Gly750fs)

Gene: PMS2 (PMS1 homolog 2, mismatch repair system component; minus strand). Cytogenetic location: 7p22.1.
Variant type: Deletion.
Coding change: c.2249del on transcript NM_000535.7 (MANE Select); coding-DNA position 2249, one base deleted (G; older notation c.2249delG).
Protein change: p.Gly750fs; shifts the reading frame from glycine 750.
Molecular consequence: frameshift variant. On other transcripts: non-coding transcript variant (1).
Genome position (GRCh38, 1-based): chr7:5,978,622, C deleted on the plus strand (G on the coding strand, the reverse complement: PMS2 is on the minus strand); the first of 2 consecutive C bases (chr7:5,978,622-5,978,623); deleting either gives the same sequence. VCF-style (leftmost placement, unchanged base first): chr7-5978621-GC-G. GRCh37 (hg19) VCF-style: chr7-6018252-GC-G.
Other names: c.2249delG (NM_000535.5); c.1844del, p.Gly615fs (NM_001322003.2, NM_001322004.2, NM_001322005.2 and 1 more transcripts); c.2093del, p.Gly698fs (NM_001322006.2); c.1931del, p.Gly644fs (NM_001322007.2, NM_001322008.2); c.1688del, p.Gly563fs (NM_001322010.2); c.1316del, p.Gly439fs (NM_001322011.2, NM_001322012.2); c.1676del, p.Gly559fs (NM_001322013.2); c.2249del, p.Gly750fs (NM_001322014.2); and 1 more; short protein forms G615fs, G559fs, G644fs, G698fs, G563fs, G647fs, G439fs, G750fs.
Identifiers: ClinVar variation 652767 (VCV000652767.9), dbSNP rs1583285552, ClinGen allele CA915944855.